The following is an entry in ClinVar:

ClinVar aggregate classification (germline): Uncertain significance (1 of 4 stars; one submission).

Conditions:
Ataxia-telangiectasia syndrome (AT). Also called: AT, COMPLEMENTATION GROUP C; Ataxia telangiectasia (A-T); Cerebello-oculocutaneous telangiectasia; Immunodeficiency with ataxia telangiectasia; LOUIS-BAR SYNDROME; Ataxia-telangiectasia. Identifiers: Orphanet 100, MedGen C0004135, MONDO:0008840, OMIM 208900.

Submission:

Labcorp Genetics (formerly Invitae), Labcorp
Classification: Uncertain significance for Ataxia-telangiectasia syndrome. Last evaluated: 2020-01-16. Review status: criteria provided, single submitter. Criteria: Invitae Variant Classification Sherloc (09022015). Collection method: clinical testing. Allele origin: germline.
Comment: In summary, the available evidence is currently insufficient to determine the role of this variant in disease. Therefore, it has been classified as a Variant of Uncertain Significance. Algorithms developed to predict the effect of missense changes on protein structure and function output the following: SIFT: "Deleterious"; PolyPhen-2: "Benign"; Align-GVGD: "Class C15". The glycine amino acid residue is found in multiple mammalian species, suggesting that this missense change does not adversely affect protein function. These predictions have not been confirmed by published functional studies and their clinical significance is uncertain. This variant has not been reported in the literature in individuals with ATM-related conditions. This variant is not present in population databases (ExAC no frequency). This sequence change replaces glutamic acid with glycine at codon 277 of the ATM protein (p.Glu277Gly). The glutamic acid residue is moderately conserved and there is a moderate physicochemical difference between glutamic acid and glycine.

NM_000051.4(ATM):c.830A>G (p.Glu277Gly)

Gene: ATM (ATM serine/threonine kinase; plus strand). Cytogenetic location: 11q22.3.
Variant type: single nucleotide variant.
Coding change: c.830A>G on transcript NM_000051.4 (MANE Select); coding-DNA position 830, A replaced by G.
Protein change: p.Glu277Gly; replaces glutamic acid 277 with glycine.
Molecular consequence: missense variant.
Genome position (GRCh38, 1-based): chr11:108,244,955, A>G. VCF-style: chr11-108244955-A-G. GRCh37 (hg19) VCF-style: chr11-108115682-A-G.
Other names: c.830A>G, p.Glu277Gly (NM_001351834.2); short protein forms E277G.
Identifiers: ClinVar variation 961002 (VCV000961002.9), dbSNP rs2079768905, ClinGen allele CA382529436.